The following is an entry in ClinVar:

NM_001018115.3(FANCD2):c.2992A>T (p.Asn998Tyr)

Gene: FANCD2 (FA complementation group D2; plus strand). Cytogenetic location: 3p25.3.
Variant type: single nucleotide variant.
Coding change: c.2992A>T on transcript NM_001018115.3 (MANE Select); coding-DNA position 2992, A replaced by T.
Protein change: p.Asn998Tyr; replaces asparagine 998 with tyrosine.
Molecular consequence: missense variant.
Genome position (GRCh38, 1-based): chr3:10,081,115, A>T. VCF-style: chr3-10081115-A-T. GRCh37 (hg19) VCF-style: chr3-10122799-A-T.
Other names: c.2992A>T, p.Asn998Tyr (NM_001319984.2, NM_001374254.1, NM_033084.6); c.2881A>T, p.Asn961Tyr (NM_001374253.1); c.2992A>T (NM_033084.4); short protein forms N961Y, N998Y.
Identifiers: ClinVar variation 2194843 (VCV002194843.2), dbSNP rs746952691, ClinGen allele CA2250258.

ClinVar aggregate classification (germline): Uncertain significance. Review status: criteria provided, multiple submitters, no conflicts (2 of 4 stars). 2 submissions from 2 submitters: Uncertain significance (2). Last evaluated 2024-06-19.

Conditions:
Fanconi anemia (FA). Also called: Fanconi's anemia. Identifiers: Orphanet 84, MedGen C0015625, MeSH D005199, MONDO:0019391.
Fanconi anemia complementation group D2. Also called: FANCONI PANCYTOPENIA, TYPE 4; FANCONI ANEMIA, COMPLEMENTATION GROUP D; FANCD2-Related Fanconi Anemia. Identifiers: Orphanet 84, MedGen C3160738, MONDO:0009214, OMIM 227646.

Allele frequency attached by ClinVar (database versions not stated): gnomAD exomes below 0.00001; ExAC 0.00001.
gnomAD v4.1: 2 of 1,614,172 alleles (0.00012%); highest among the groups gnomAD compares: African/African-American, 0.0027%; no homozygotes.

Submissions (2):

Fulgent Genetics
Classification: Uncertain significance for Fanconi anemia complementation group D2. Last evaluated: 2024-06-19. Review status: criteria provided, single submitter. Criteria: ACMG Guidelines, 2015. Collection method: clinical testing. Allele origin: germline.

Labcorp Genetics (formerly Invitae), Labcorp
Classification: Uncertain significance for Fanconi anemia. Last evaluated: 2021-12-24. Review status: criteria provided, single submitter. Criteria: Invitae Variant Classification Sherloc (09022015). Collection method: clinical testing. Allele origin: germline.
Comment: This sequence change replaces asparagine, which is neutral and polar, with tyrosine, which is neutral and polar, at codon 998 of the FANCD2 protein (p.Asn998Tyr). This variant is present in population databases (rs746952691, gnomAD 0.007%). This variant has not been reported in the literature in individuals affected with FANCD2-related conditions. Algorithms developed to predict the effect of missense changes on protein structure and function are either unavailable or do not agree on the potential impact of this missense change (SIFT: "Deleterious"; PolyPhen-2: "Probably Damaging"; Align-GVGD: "Class C15"). Algorithms developed to predict the effect of sequence changes on RNA splicing suggest that this variant may create or strengthen a splice site. In summary, the available evidence is currently insufficient to determine the role of this variant in disease. Therefore, it has been classified as a Variant of Uncertain Significance.